The following is an entry in ClinVar:

NM_000138.5(FBN1):c.2931G>A (p.Met977Ile)

Gene: FBN1 (fibrillin 1; minus strand). Cytogenetic location: 15q21.1.
Variant type: single nucleotide variant.
Coding change: c.2931G>A on transcript NM_000138.5 (MANE Select); coding-DNA position 2931, G replaced by A.
Protein change: p.Met977Ile; replaces methionine 977 with isoleucine.
Molecular consequence: missense variant.
Genome position (GRCh38, 1-based): chr15:48,490,002, C>T on the plus strand (G>A on the coding strand, the complement: FBN1 is on the minus strand). VCF-style: chr15-48490002-C-T. GRCh37 (hg19) VCF-style: chr15-48782199-C-T.
Other names: c.2931G>A, p.Met977Ile (NM_001406716.1); short protein forms M977I.
Identifiers: ClinVar variation 2773367 (VCV002773367.3), dbSNP rs759544189, ClinGen allele CA049413.
Genomic context (GRCh38, chr15:48,490,002, plus strand): 5'-GGGACACTCCTCGCATTCCTCAGTACCCCAGGCTGCCCCGACGGAGCAGCAGCAGGCGTC[C>T]ATGCGGTGGCGGCCAGCAATAGGCAGGGTGCACTCCTCGTCCTCGTACCTCAGGAAGCAG-3'
Protein context (NP_000129.3, residues 967-987): CTLPIAGRHR[Met977Ile]DACCCSVGAA

ClinVar aggregate classification (germline): Uncertain significance. Review status: criteria provided, multiple submitters, no conflicts (2 of 4 stars). 2 submissions from 2 submitters: Uncertain significance (2). Last evaluated 2024-03-05.

Conditions:
Marfan syndrome (MFS). Also called: FBN1-Related Marfan Syndrome; MARFAN SYNDROME, TYPE I; Marfan syndrome type 1; Marfan's syndrome; Marfan syndrome, classic. Identifiers: Orphanet 284963, Orphanet 558, MedGen C0024796, MONDO:0007947, OMIM 154700.
Familial thoracic aortic aneurysm and aortic dissection (TAAD). Also called: Thoracic aortic aneurysms and dissections. Identifiers: Orphanet 91387, MedGen C4707243, MONDO:0019625.

Allele frequency attached by ClinVar (database versions not stated): TOPMed below 0.00001; ExAC 0.00001.

Submissions (2):

All of Us Research Program, National Institutes of Health
Classification: Uncertain significance for Marfan syndrome. Last evaluated: 2024-03-05. Review status: criteria provided, single submitter. Criteria: ACMG Guidelines, 2015. Collection method: clinical testing. Allele origin: germline. Inheritance: Autosomal dominant inheritance. Observed: 1 variant allele, 1 heterozygote.
Comment: This study involves interpretation of variants in research participants for the purpose of population health screening. Participant phenotype was not available at the time of variant classification. Additional details can be found in publication PMID: 35346344, PMCID: PMC8962531

Color Diagnostics, LLC DBA Color Health
Classification: Uncertain significance for Familial thoracic aortic aneurysm and aortic dissection. Last evaluated: 2023-06-13. Review status: criteria provided, single submitter. Criteria: ACMG Guidelines, 2015. Collection method: clinical testing. Allele origin: germline.
Comment: This missense variant replaces methionine with isoleucine at codon 977 of the FBN1 protein. Computational prediction suggests that this variant may not impact protein structure and function (internally defined REVEL score threshold <= 0.5, PMID: 27666373). To our knowledge, functional studies have not been reported for this variant. This variant has not been reported in individuals affected with FBN1-related disorders in the literature. This variant has been identified in 1/251466 chromosomes in the general population by the Genome Aggregation Database (gnomAD). The available evidence is insufficient to determine the role of this variant in disease conclusively. Therefore, this variant is classified as a Variant of Uncertain Significance.